The following is an entry in ClinVar:

ClinVar aggregate classification (germline): Uncertain significance (1 of 4 stars; one submission).

Conditions:
Aortic valve disease 3. Identifiers: MedGen C5193127, MONDO:0032783, OMIM 618496.

Allele frequency attached by ClinVar (database versions not stated): gnomAD exomes below 0.00001.
gnomAD v4.1: 1 of 1,614,118 alleles (0.000062%); highest among the groups gnomAD compares: Non-Finnish European, 0.000085%; no homozygotes.

Submission:

Institute of Human Genetics, University of Leipzig Medical Center
Classification: Uncertain significance for Aortic valve disease 3. Last evaluated: 2024-02-21. Review status: criteria provided, single submitter. Criteria: ACMG Guidelines, 2015. Collection method: clinical testing. Allele origin: unknown. Affected: yes.
Comment: Criteria applied: PM2_SUP

NM_019055.6(ROBO4):c.746T>C (p.Leu249Pro)

Gene: ROBO4 (roundabout guidance receptor 4; minus strand). Cytogenetic location: 11q24.2.
Variant type: single nucleotide variant.
Coding change: c.746T>C on transcript NM_019055.6 (MANE Select); coding-DNA position 746, T replaced by C.
Protein change: p.Leu249Pro; replaces leucine 249 with proline.
Molecular consequence: missense variant.
Genome position (GRCh38, 1-based): chr11:124,895,846, A>G on the plus strand (T>C on the coding strand, the complement: ROBO4 is on the minus strand). VCF-style: chr11-124895846-A-G. GRCh37 (hg19) VCF-style: chr11-124765742-A-G.
Other names: c.311T>C, p.Leu104Pro (NM_001301088.2); short protein forms L104P, L249P.
Identifiers: ClinVar variation 3024526 (VCV003024526.2), dbSNP rs2497398506, ClinGen allele CA383172430.